The following is an entry in ClinVar:

NM_001123385.2(BCOR):c.3648_3933del286insGCT (p.Arg1217fs)

Gene: BCOR (BCL6 corepressor; minus strand). Cytogenetic location: Xp11.4.
Variant type: Indel.
Coding change: c.3648_3933del286insGCT on transcript NM_001123385.2 (MANE Select); coding-DNA positions 3648 to 3933, 286 bases deleted.
Protein change: p.Arg1217fs; shifts the reading frame from arginine 1217.
Molecular consequence: frameshift variant, splice acceptor variant, splice donor variant.
Genome position: GRCh38: chrX:40,062,986-40,063,807. GRCh37 (hg19): chrX:39,922,239-39,923,060.
Other names: c.3546_3831del286insGCT, p.Arg1183Leufs (NM_001123383.2); c.3492_3777del286insGCT, p.Arg1165fs (NM_001123384.2); c.3546_3831del286insGCT, p.Arg1183fs (NM_017745.6); short protein forms R1165fs, R1183fs, R1217fs.
Identifiers: ClinVar variation 2850981 (VCV002850981.3), ClinGen allele CA2739273432.

ClinVar aggregate classification (germline): Pathogenic (1 of 4 stars; one submission).

Conditions:
Oculofaciocardiodental syndrome (MCOPS2). Identifiers: Orphanet 2712, MedGen C1846265, MONDO:0010261, OMIM 300166.

Submission:

Labcorp Genetics (formerly Invitae), Labcorp
Classification: Pathogenic for Oculofaciocardiodental syndrome. Last evaluated: 2023-03-30. Review status: criteria provided, single submitter. Criteria: Invitae Variant Classification Sherloc (09022015). Collection method: clinical testing. Allele origin: germline.
Comment: For these reasons, this variant has been classified as Pathogenic. This variant results in the deletion of part of exon 8 and part of exon 9 (c.3546_3831delinsGCT) of the BCOR gene. This deletion is out-of-frame, and is expected to create a premature termination codon and result in an absent or disrupted protein product. Loss-of-function variants in BCOR are known to be pathogenic (PMID: 15004558, 19367324). This variant has not been reported in the literature in individuals affected with BCOR-related conditions.

Literature cited by the submitters: PubMed 15004558; PubMed 19367324.